The following is an entry in ClinVar:

NM_153460.4(IL17RC):c.1535G>T (p.Gly512Val)

Gene: IL17RC (interleukin 17 receptor C; plus strand). Cytogenetic location: 3p25.3.
Variant type: single nucleotide variant.
Coding change: c.1535G>T on transcript NM_153460.4 (MANE Select); coding-DNA position 1535, G replaced by T.
Protein change: p.Gly512Val; replaces glycine 512 with valine.
Molecular consequence: missense variant. On other transcripts: non-coding transcript variant (1).
Genome position (GRCh38, 1-based): chr3:9,932,965, G>T. VCF-style: chr3-9932965-G-T. GRCh37 (hg19) VCF-style: chr3-9974649-G-T.
Other names: c.1496G>T, p.Gly499Val (NM_001203263.2); c.1445G>T, p.Gly482Val (NM_001203264.2); c.1439G>T, p.Gly480Val (NM_001203265.2); c.1457G>T, p.Gly486Val (NM_001367278.1); c.1376G>T, p.Gly459Val (NM_001367279.1); c.1451G>T, p.Gly484Val (NM_001367280.1); c.1400G>T, p.Gly467Val (NM_001410711.1); c.1490G>T, p.Gly497Val (NM_032732.6); and 1 more; short protein forms G497V, G480V, G486V, G512V, G484V, G499V, G583V, G459V.
Identifiers: ClinVar variation 4769288 (VCV004769288.1).

ClinVar aggregate classification (germline): Uncertain significance (1 of 4 stars; one submission).

Conditions:
Candidiasis, familial, 9 (CANDF9). Identifiers: Orphanet 1334, MedGen C4225324, MONDO:0014642, OMIM 616445.

gnomAD v4.1: 5 of 1,606,530 alleles (0.00031%); highest among the groups gnomAD compares: Non-Finnish European, 0.00042%; no homozygotes.

Submission:

Labcorp Genetics (formerly Invitae), Labcorp
Classification: Uncertain significance for Candidiasis, familial, 9. Last evaluated: 2025-12-01. Review status: criteria provided, single submitter. Criteria: Invitae Variant Classification Sherloc (09022015). Collection method: clinical testing. Allele origin: germline.
Comment: This sequence change replaces glycine, which is neutral and non-polar, with valine, which is neutral and non-polar, at codon 583 of the IL17RC protein (p.Gly583Val). This variant is present in population databases (no rsID available, gnomAD 0.001%). This variant has not been reported in the literature in individuals affected with IL17RC-related conditions. An algorithm developed to predict the effect of missense changes on protein structure and function outputs the following: PolyPhen-2: "Benign". The valine amino acid residue is found in multiple mammalian species, which suggests that this missense change does not adversely affect protein function. In summary, the available evidence is currently insufficient to determine the role of this variant in disease. Therefore, it has been classified as a Variant of Uncertain Significance.